The following is an entry in ClinVar:

ClinVar aggregate classification (germline): Uncertain significance. Review status: criteria provided, multiple submitters, no conflicts (2 of 4 stars). 2 submissions from 2 submitters: Uncertain significance (2). Last evaluated 2024-10-27.

Conditions:
Cardiovascular phenotype. Identifiers: MedGen CN230736.
3-Methylglutaconic aciduria type 2 (BTHS). Also called: CARDIOSKELETAL MYOPATHY WITH NEUTROPENIA AND ABNORMAL MITOCHONDRIA; Barth syndrome. Identifiers: Orphanet 111, MedGen C0574083, MONDO:0010543, OMIM 302060.

Submissions (2):

Labcorp Genetics (formerly Invitae), Labcorp
Classification: Uncertain significance for 3-Methylglutaconic aciduria type 2. Last evaluated: 2024-10-27. Review status: criteria provided, single submitter. Criteria: Invitae Variant Classification Sherloc (09022015). Collection method: clinical testing. Allele origin: germline.
Comment: This sequence change replaces threonine, which is neutral and polar, with methionine, which is neutral and non-polar, at codon 267 of the TAZ protein (p.Thr267Met). This variant is not present in population databases (gnomAD no frequency). This variant has not been reported in the literature in individuals affected with TAZ-related conditions. ClinVar contains an entry for this variant (Variation ID: 518678). An algorithm developed to predict the effect of missense changes on protein structure and function (PolyPhen-2) suggests that this variant is likely to be disruptive. In summary, the available evidence is currently insufficient to determine the role of this variant in disease. Therefore, it has been classified as a Variant of Uncertain Significance.

Ambry Genetics
Classification: Uncertain significance for Cardiovascular phenotype. Last evaluated: 2017-07-13. Review status: criteria provided, single submitter. Criteria: Ambry Variant Classification Scheme 2023. Collection method: clinical testing. Allele origin: germline.
Comment: The p.T267M variant (also known as c.800C>T), located in coding exon 11 of the TAZ gene, results from a C to T substitution at nucleotide position 800. The threonine at codon 267 is replaced by methionine, an amino acid with similar properties. This amino acid position is highly conserved in available vertebrate species. In addition, this alteration is predicted to be deleterious by in silico analysis. Since supporting evidence is limited at this time, the clinical significance of this alteration remains unclear.

NM_000116.5(TAFAZZIN):c.800C>T (p.Thr267Met)

Gene: TAFAZZIN (tafazzin, phospholipid-lysophospholipid transacylase; plus strand). Cytogenetic location: Xq28.
Variant type: single nucleotide variant.
Coding change: c.800C>T on transcript NM_000116.5 (MANE Select); coding-DNA position 800, C replaced by T.
Protein change: p.Thr267Met; replaces threonine 267 with methionine.
Molecular consequence: missense variant. On other transcripts: non-coding transcript variant (1).
Genome position (GRCh38, 1-based): chrX:154,420,925, C>T. VCF-style: chrX-154420925-C-T. GRCh37 (hg19) VCF-style: chrX-153649264-C-T.
Other names: c.812C>T, p.Thr271Met (NM_001303465.2); c.710C>T, p.Thr237Met (NM_181311.4); c.758C>T, p.Thr253Met (NM_181312.4); c.668C>T, p.Thr223Met (NM_181313.4); short protein forms T267M, T223M, T271M, T237M, T253M.
Identifiers: ClinVar variation 518678 (VCV000518678.8), dbSNP rs1557194504, ClinGen allele CA415185644.